The following is an entry in ClinVar:

NM_014915.3(ANKRD26):c.-126T>G

Gene: ANKRD26 (ankyrin repeat domain 26; minus strand). Cytogenetic location: 10p12.1.
Variant type: single nucleotide variant.
Coding change: c.-126T>G on transcript NM_014915.3 (MANE Select); 126 bases upstream of the start codon, T replaced by G.
Molecular consequence: 5 prime UTR variant.
Genome position (GRCh38, 1-based): chr10:27,100,452, A>C on the plus strand (T>G on the coding strand, the complement: ANKRD26 is on the minus strand). VCF-style: chr10-27100452-A-C. GRCh37 (hg19) VCF-style: chr10-27389381-A-C.
Other names: c.-126T>G (NM_001256053.2).
Identifiers: ClinVar variation 1684447 (VCV001684447.2), dbSNP rs1589393792, ClinGen allele CA913185913.
Genomic context (GRCh38, chr10:27,100,452, plus strand): 5'-CAACATAACAAGTCAGCCCCGGCTGGCCGCAGCCTCCCAAAGGAAACTCCGCGGTTTCCA[A>C]TCTCTCCCTCCGGGTTACCAAGCAAGCGATCCCGCTAGACACAAGTGCGCATGCGCACCT-3'

ClinVar aggregate classification (germline): Pathogenic. Review status: criteria provided, single submitter (1 of 4 stars). 2 submissions from 2 submitters: Pathogenic (1). 1 of the submissions does not count toward it. Last evaluated 2023-11-15.

Conditions:
Thrombocytopenia 2 (THC2). Also called: ANKRD26-Related Thrombocytopenia. Identifiers: Orphanet 268322, MedGen C1861185, MONDO:0008555, OMIM 188000.
ANKRD26-related disorder. Also called: ANKRD26-related condition.

Submissions (2):

Blueprint Genetics
Classification: Pathogenic for ANKRD26-related disorders. Last evaluated: 2023-11-15. Review status: criteria provided, single submitter. Criteria: ACMG Guidelines, 2015. Collection method: clinical testing. Allele origin: germline. Affected: yes. Observed: 1 variant allele.

ISTH-SSC Genomics in Thrombosis and Hemostasis, KU Leuven, Center for Molecular and Vascular Biology
Classification: Pathogenic for Thrombocytopenia 2. Review status: no assertion criteria provided. Collection method: research. Allele origin: unknown. Affected: yes. Not counted in ClinVar's aggregate classification.
Comment: Submitted to GoldVariant by Neil Morgan from Birmingham Platelet Group, Birmingham, UK